The following is an entry in ClinVar:

ClinVar aggregate classification (germline): Conflicting classifications of pathogenicity. Review status: criteria provided, conflicting classifications (1 of 4 stars). 4 submissions from 4 submitters: Uncertain significance (2); Likely benign (2). Last evaluated 2026-07-15.

Conditions:
SBF1-related disorder. Also called: SBF1-related condition.
Charcot-Marie-Tooth disease type 4B3. Also called: Charcot-Marie-Tooth Neuropathy Type 4B3; CHARCOT-MARIE-TOOTH DISEASE, DEMYELINATING, TYPE 4B3. Identifiers: Orphanet 363981, MedGen C3695063, MONDO:0014117, OMIM 615284.

Allele frequency attached by ClinVar (database versions not stated): gnomAD exomes 0.00003 and 0.00008; ExAC 0.00011; 1000 Genomes Project 0.00020; ESP Exome Variant Server 0.00031; gnomAD 0.00036 and 0.00038; TOPMed 0.00043; 1000 Genomes Project 30x 0.00047.
gnomAD v4.1: 98 of 1,613,610 alleles (0.0061%); highest among the groups gnomAD compares: African/African-American, 0.12%; no homozygotes.

Submissions (5):

PreventionGenetics, part of Exact Sciences
Classification: Likely benign for SBF1-related condition. Last evaluated: 2026-07-15. Review status: criteria provided, single submitter. Criteria: ACMG Guidelines, 2015. Collection method: clinical testing. Allele origin: germline.
Comment: This variant is classified as likely benign based on ACMG/AMP sequence variant interpretation guidelines (Richards et al. 2015 PMID: 25741868, with internal and published modifications).

Revvity Omics, Revvity
Classification: Uncertain significance for Charcot-Marie-Tooth disease type 4B3. Last evaluated: 2024-01-18. Review status: criteria provided, single submitter. Criteria: ACMG Guidelines, 2015. Collection method: clinical testing. Allele origin: germline.

Labcorp Genetics (formerly Invitae), Labcorp
Classification: Uncertain significance. Last evaluated: 2022-08-10. Review status: criteria provided, single submitter. Criteria: Invitae Variant Classification Sherloc (09022015). Collection method: clinical testing. Allele origin: germline.
Comment: This sequence change falls in intron 2 of the SBF1 gene. It does not directly change the encoded amino acid sequence of the SBF1 protein. It affects a nucleotide within the consensus splice site. This variant is present in population databases (rs191369963, gnomAD 0.1%). This variant has not been reported in the literature in individuals affected with SBF1-related conditions. ClinVar contains an entry for this variant (Variation ID: 1330391). Variants that disrupt the consensus splice site are a relatively common cause of aberrant splicing (PMID: 17576681, 9536098). Algorithms developed to predict the effect of sequence changes on RNA splicing suggest that this variant is not likely to affect RNA splicing. In summary, the available evidence is currently insufficient to determine the role of this variant in disease. Therefore, it has been classified as a Variant of Uncertain Significance.

ARUP Laboratories, Molecular Genetics and Genomics, ARUP Laboratories
Classification: Likely benign for Charcot-Marie-Tooth disease type 4B3. Last evaluated: 2021-03-04. Review status: criteria provided, single submitter. Criteria: ARUP Molecular Germline Variant Investigation Process 2021. Collection method: clinical testing. Allele origin: germline.

Dr. Peter K. Rogan Lab, Western University
No classification provided (evidence only). Condition: Uterine corpus endometrial carcinoma. Review status: no classification provided. Collection method: in vitro. Allele origin: not applicable. Functional consequence: retained intron. Not counted in ClinVar's aggregate classification.

Literature cited by the submitters: PubMed 17576681 (cited by Labcorp Genetics (formerly Invitae), Labcorp); PubMed 9536098 (cited by Labcorp Genetics (formerly Invitae), Labcorp).

NM_002972.4(SBF1):c.142-3C>T

Gene: SBF1 (SET binding factor 1; minus strand). Cytogenetic location: 22q13.33.
Variant type: single nucleotide variant.
Coding change: c.142-3C>T on transcript NM_002972.4 (MANE Select); 3 bases into the intron before coding-DNA position 142, C replaced by T.
Molecular consequence: intron variant.
Genome position (GRCh38, 1-based): chr22:50,467,926, G>A on the plus strand (C>T on the coding strand, the complement: SBF1 is on the minus strand). VCF-style: chr22-50467926-G-A. GRCh37 (hg19) VCF-style: chr22-50906355-G-A.
Other names: c.142-3C>T (NM_002972.3, NM_001365819.1).
Identifiers: ClinVar variation 1330391 (VCV001330391.13), dbSNP rs191369963, ClinGen allele CA10318208.